The following is an entry in ClinVar:

ClinVar aggregate classification (germline): Pathogenic (1 of 4 stars; one submission).

Conditions:
Hereditary cancer-predisposing syndrome. Also called: Hereditary Cancer Syndrome; Neoplastic Syndromes, Hereditary; Hereditary neoplastic syndrome; Tumor predisposition. Identifiers: Orphanet 140162, MedGen C0027672, MeSH D009386, MONDO:0015356.

Submission:

Ambry Genetics
Classification: Pathogenic for Hereditary cancer-predisposing syndrome. Last evaluated: 2015-02-23. Review status: criteria provided, single submitter. Criteria: Ambry Variant Classification Scheme 2023. Collection method: clinical testing. Allele origin: germline.
Comment: The p.Y1511* pathogenic mutation (also known as c.4533T>A), located in coding exon 22 of the DICER1 gene, results from a T to A substitution at nucleotide position 4533. This changes the amino acid from a tyrosine to a stop codon within coding exon 22. Since premature stop codons are typically deleterious in nature, this alteration is interpreted as a disease-causing mutation (ACMG Recommendations for Standards for Interpretation and Reporting of Sequence Variations. Revision 2007. Genet Med. 2008;10:294).

NM_177438.3(DICER1):c.4533T>A (p.Tyr1511Ter)

Gene: DICER1 (dicer 1, ribonuclease III; minus strand). Cytogenetic location: 14q32.13.
Variant type: single nucleotide variant.
Coding change: c.4533T>A on transcript NM_177438.3 (MANE Select); coding-DNA position 4533, T replaced by A.
Protein change: p.Tyr1511Ter; replaces tyrosine 1511 with a stop codon.
Molecular consequence: nonsense.
Genome position (GRCh38, 1-based): chr14:95,096,387, A>T on the plus strand (T>A on the coding strand, the complement: DICER1 is on the minus strand). VCF-style: chr14-95096387-A-T. GRCh37 (hg19) VCF-style: chr14-95562724-A-T.
Other names: c.4533T>A, p.Tyr1511Ter (NM_001195573.1, NM_001271282.3, NM_001291628.2 and 1 more transcripts); short protein forms Y1511*.
Identifiers: ClinVar variation 429134 (VCV000429134.5), dbSNP rs1131691206, ClinGen allele CA390867918.